The following is an entry in ClinVar:

ClinVar aggregate classification (germline): Uncertain significance (1 of 4 stars; one submission).

Conditions:
Regional enteritis. Also called: Enteritis, Granulomatous. Identifiers: MedGen C0678202, MeSH D003424.
Blau syndrome (BLAUS). Also called: ARTHROCUTANEOUVEAL GRANULOMATOSIS; GRANULOMATOSIS, FAMILIAL JUVENILE SYSTEMIC; GRANULOMATOSIS, FAMILIAL, BLAU TYPE; GRANULOMATOUS INFLAMMATORY ARTHRITIS, DERMATITIS, AND UVEITIS, FAMILIAL; JABS SYNDROME. Identifiers: Orphanet 90340, MedGen C5201146, MONDO:0008523, OMIM 186580.

Submission:

Labcorp Genetics (formerly Invitae), Labcorp
Classification: Uncertain significance for Regional enteritis; Blau syndrome. Last evaluated: 2025-01-30. Review status: criteria provided, single submitter. Criteria: Invitae Variant Classification Sherloc (09022015). Collection method: clinical testing. Allele origin: germline.
Comment: This sequence change replaces glycine, which is neutral and non-polar, with arginine, which is basic and polar, at codon 680 of the NOD2 protein (p.Gly680Arg). This variant is not present in population databases (gnomAD no frequency). This variant has not been reported in the literature in individuals affected with NOD2-related conditions. Invitae Evidence Modeling of protein sequence and biophysical properties (such as structural, functional, and spatial information, amino acid conservation, physicochemical variation, residue mobility, and thermodynamic stability) indicates that this missense variant is expected to disrupt NOD2 protein function with a positive predictive value of 95%. Experimental studies have shown that this missense change affects NOD2 function (PMID: 15044951). In summary, the available evidence is currently insufficient to determine the role of this variant in disease. Therefore, it has been classified as a Variant of Uncertain Significance.

Literature cited by the submitters: PubMed 15044951.

NM_001370466.1(NOD2):c.1957G>C (p.Gly653Arg)

Gene: NOD2 (nucleotide binding oligomerization domain containing 2; plus strand). Cytogenetic location: 16q12.1.
Variant type: single nucleotide variant.
Coding change: c.1957G>C on transcript NM_001370466.1 (MANE Select); coding-DNA position 1957, G replaced by C.
Protein change: p.Gly653Arg; replaces glycine 653 with arginine.
Molecular consequence: missense variant. On other transcripts: non-coding transcript variant (1).
Genome position (GRCh38, 1-based): chr16:50,711,949, G>C. VCF-style: chr16-50711949-G-C. GRCh37 (hg19) VCF-style: chr16-50745860-G-C.
Other names: c.1957G>C, p.Gly653Arg (NM_001293557.2); c.2038G>C, p.Gly680Arg (NM_022162.3); short protein forms G653R, G680R.
Identifiers: ClinVar variation 4783701 (VCV004783701.1).